The following is an entry in ClinVar:

ClinVar aggregate classification (germline): Uncertain significance. Review status: criteria provided, multiple submitters, no conflicts (2 of 4 stars). 4 submissions from 4 submitters: Uncertain significance (4). Last evaluated 2025-08-28.

Conditions:
Muscular dystrophy-dystroglycanopathy (congenital with brain and eye anomalies), type A, 7. Also called: WALKER-WARBURG SYNDROME OR MUSCLE-EYE-BRAIN DISEASE, ISPD-RELATED; Congenital muscular dystrophy-dystroglycanopathy with brain and eye anomalies, type A7. Identifiers: Orphanet 899, MedGen C3553330, MONDO:0013835, OMIM 614643.
Autosomal recessive limb-girdle muscular dystrophy type 2U. Also called: MUSCULAR DYSTROPHY, LIMB-GIRDLE, TYPE 2U; Muscular dystrophy-dystroglycanopathy (limb-girdle), type c, 7. Identifiers: Orphanet 352479, MedGen C5190987, MONDO:0014474, OMIM 616052.

Allele frequency attached by ClinVar (database versions not stated): ExAC below 0.00001; gnomAD below 0.00001 and 0.00010; TOPMed 0.00001; 1000 Genomes Project 0.00060.
gnomAD v4.1: 125 of 1,280,118 alleles (0.0098%); highest among the groups gnomAD compares: South Asian, 0.33%; no homozygotes.

Submissions (4):

Ambry Genetics
Classification: Uncertain significance. Last evaluated: 2025-08-28. Review status: criteria provided, single submitter. Criteria: Ambry Variant Classification Scheme 2023. Collection method: clinical testing. Allele origin: germline.

Revvity Omics, Revvity
Classification: Uncertain significance. Last evaluated: 2023-06-21. Review status: criteria provided, single submitter. Criteria: ACMG Guidelines, 2015. Collection method: clinical testing. Allele origin: germline.

Labcorp Genetics (formerly Invitae), Labcorp
Classification: Uncertain significance for Muscular dystrophy-dystroglycanopathy (congenital with brain and eye anomalies), type A, 7; Autosomal recessive limb-girdle muscular dystrophy type 2U. Last evaluated: 2022-05-24. Review status: criteria provided, single submitter. Criteria: Invitae Variant Classification Sherloc (09022015). Collection method: clinical testing. Allele origin: germline.
Comment: This sequence change replaces glycine, which is neutral and non-polar, with valine, which is neutral and non-polar, at codon 15 of the ISPD protein (p.Gly15Val). This variant is not present in population databases (gnomAD no frequency). This variant has not been reported in the literature in individuals affected with ISPD-related conditions. ClinVar contains an entry for this variant (Variation ID: 286026). Algorithms developed to predict the effect of missense changes on protein structure and function are either unavailable or do not agree on the potential impact of this missense change (SIFT: "Tolerated"; PolyPhen-2: "Possibly Damaging"; Align-GVGD: "Class C0"). In summary, the available evidence is currently insufficient to determine the role of this variant in disease. Therefore, it has been classified as a Variant of Uncertain Significance.

Eurofins Ntd Llc (ga)
Classification: Uncertain significance. Last evaluated: 2016-02-23. Review status: criteria provided, single submitter. Criteria: EGL Classification Definitions 2015. Collection method: clinical testing. Allele origin: germline. Observed: 2 variant alleles, 2 heterozygotes.

NM_001101426.4(CRPPA):c.44G>T (p.Gly15Val)

Genes: CRPPA (CDP-L-ribitol pyrophosphorylase A; minus strand), LOC129998005 (ATAC-STARR-seq lymphoblastoid silent region 17982; plus strand). Cytogenetic location: 7p21.2.
Variant type: single nucleotide variant.
Coding change: c.44G>T on transcript NM_001101426.4 (MANE Select); coding-DNA position 44, G replaced by T.
Protein change: p.Gly15Val; replaces glycine 15 with valine.
Molecular consequence: missense variant. On other transcripts: non-coding transcript variant (1).
Genome position (GRCh38, 1-based): chr7:16,421,279, C>A on the plus strand (G>T on the coding strand, the complement: CRPPA is on the minus strand). VCF-style: chr7-16421279-C-A. GRCh37 (hg19) VCF-style: chr7-16460904-C-A.
Other names: c.44G>T, p.Gly15Val (NM_001101417.4, NM_001368197.1); short protein forms G15V.
Identifiers: ClinVar variation 286026 (VCV000286026.12), dbSNP rs573488291, ClinGen allele CA4169659.